The following is an entry in ClinVar:

ClinVar aggregate classification (germline): Uncertain significance (1 of 4 stars; one submission).

Submission:

Women's Health and Genetics/Laboratory Corporation of America, LabCorp
Classification: Uncertain significance. Last evaluated: 2026-06-15. Review status: criteria provided, single submitter. Criteria: LabCorp Variant Classification Summary - May 2015. Collection method: clinical testing. Allele origin: germline.
Comment: Variant summary: GRN c.1436A>G (p.Gln479Arg) results in a conservative amino acid change in the encoded protein sequence. Algorithms developed to predict the effect of missense changes on protein structure and function all suggest that this variant is likely to be tolerated. The variant was absent in 250648 control chromosomes. The available data on variant occurrences in the general population are insufficient to allow any conclusion about variant significance. To our knowledge, no occurrence of c.1436A>G in individuals affected with GRN-related conditions and no experimental evidence demonstrating its impact on protein function have been reported. No submitters have cited clinical-significance assessments for this variant to ClinVar. Based on the evidence outlined above, the variant was classified as uncertain significance.

NM_002087.4(GRN):c.1436A>G (p.Gln479Arg)

Gene: GRN (granulin precursor; plus strand). Cytogenetic location: 17q21.31.
Variant type: single nucleotide variant.
Coding change: c.1436A>G on transcript NM_002087.4 (MANE Select); coding-DNA position 1436, A replaced by G.
Protein change: p.Gln479Arg; replaces glutamine 479 with arginine.
Molecular consequence: missense variant.
Genome position (GRCh38, 1-based): chr17:44,352,363, A>G. VCF-style: chr17-44352363-A-G. GRCh37 (hg19) VCF-style: chr17-42429731-A-G.
Other names: short protein forms Q479R.
Identifiers: ClinVar variation 4887238 (VCV004887238.1).
Genomic context (GRCh38, chr17:44,352,363, plus strand): 5'-AGGAACATAATGCCATTCTGTGCTCCCTTCCCCGCCAGGCTGTGTGCTGCGAGGATCGCC[A>G]GCACTGCTGCCCGGCTGGCTACACCTGCAACGTGAAGGCTCGATCCTGCGAGAAGGAAGT-3'
Protein context (NP_002078.1, residues 469-489): LPHAVCCEDR[Gln479Arg]HCCPAGYTCN